The following is an entry in ClinVar:

ClinVar aggregate classification (germline): Uncertain significance. Review status: criteria provided, multiple submitters, no conflicts (2 of 4 stars). 2 submissions from 2 submitters: Uncertain significance (2). Last evaluated 2024-03-15.

Conditions:
Inborn genetic diseases. Identifiers: MedGen C0950123, MeSH D030342.

gnomAD v4.1: 54 of 1,579,824 alleles (0.0034%); highest among the groups gnomAD compares: Non-Finnish European, 0.0044%; no homozygotes.

Submissions (2):

Labcorp Genetics (formerly Invitae), Labcorp
Classification: Uncertain significance. Last evaluated: 2024-03-15. Review status: criteria provided, single submitter. Criteria: Invitae Variant Classification Sherloc (09022015). Collection method: clinical testing. Allele origin: germline.
Comment: This sequence change replaces asparagine, which is neutral and polar, with serine, which is neutral and polar, at codon 121 of the SLC12A6 protein (p.Asn121Ser). This variant is not present in population databases (gnomAD no frequency). This variant has not been reported in the literature in individuals affected with SLC12A6-related conditions. ClinVar contains an entry for this variant (Variation ID: 2207129). Advanced modeling of protein sequence and biophysical properties (such as structural, functional, and spatial information, amino acid conservation, physicochemical variation, residue mobility, and thermodynamic stability) performed at Invitae indicates that this missense variant is not expected to disrupt SLC12A6 protein function with a negative predictive value of 80%. In summary, the available evidence is currently insufficient to determine the role of this variant in disease. Therefore, it has been classified as a Variant of Uncertain Significance.

Ambry Genetics
Classification: Uncertain significance for Inborn genetic diseases. Last evaluated: 2021-07-09. Review status: criteria provided, single submitter. Criteria: Ambry Variant Classification Scheme 2023. Collection method: clinical testing. Allele origin: germline.

NM_001365088.1(SLC12A6):c.362A>G (p.Asn121Ser)

Gene: SLC12A6 (solute carrier family 12 member 6; minus strand). Cytogenetic location: 15q14.
Variant type: single nucleotide variant.
Coding change: c.362A>G on transcript NM_001365088.1 (MANE Select); coding-DNA position 362, A replaced by G.
Protein change: p.Asn121Ser; replaces asparagine 121 with serine.
Molecular consequence: missense variant.
Genome position (GRCh38, 1-based): chr15:34,260,975, T>C on the plus strand (A>G on the coding strand, the complement: SLC12A6 is on the minus strand). VCF-style: chr15-34260975-T-C. GRCh37 (hg19) VCF-style: chr15-34553176-T-C.
Other names: c.185A>G, p.Asn62Ser (NM_001042494.2, NM_001042495.2); c.335A>G, p.Asn112Ser (NM_001042496.2); c.317A>G, p.Asn106Ser (NM_001042497.2); c.209A>G, p.Asn70Ser (NM_005135.2); c.362A>G, p.Asn121Ser (NM_133647.2); short protein forms N106S, N112S, N121S, N70S, N62S.
Identifiers: ClinVar variation 2207129 (VCV002207129.4), dbSNP rs778522960, ClinGen allele CA391614635.